The following is an entry in ClinVar:

NM_002474.3(MYH11):c.170A>T (p.Glu57Val)

Gene: MYH11 (myosin heavy chain 11; minus strand). Cytogenetic location: 16p13.11.
Variant type: single nucleotide variant.
Coding change: c.170A>T on transcript NM_002474.3 (MANE Select); coding-DNA position 170, A replaced by T.
Protein change: p.Glu57Val; replaces glutamic acid 57 with valine.
Molecular consequence: missense variant.
Genome position (GRCh38, 1-based): chr16:15,838,083, T>A on the plus strand (A>T on the coding strand, the complement: MYH11 is on the minus strand). VCF-style: chr16-15838083-T-A. GRCh37 (hg19) VCF-style: chr16-15931940-T-A.
Other names: c.170A>T, p.Glu57Val (NM_001040113.2, NM_001040114.2, NM_022844.3); short protein forms E57V.
Identifiers: ClinVar variation 4704873 (VCV004704873.1).

ClinVar aggregate classification (germline): Uncertain significance (1 of 4 stars; one submission).

Conditions:
Aortic aneurysm, familial thoracic 4 (AAT4). Also called: AORTIC ANEURYSM/AORTIC DISSECTION AND PATENT DUCTUS ARTERIOSUS. Identifiers: MedGen C1851504, MONDO:0007568, OMIM 132900.

Submission:

Labcorp Genetics (formerly Invitae), Labcorp
Classification: Uncertain significance for Aortic aneurysm, familial thoracic 4. Last evaluated: 2025-12-15. Review status: criteria provided, single submitter. Criteria: Invitae Variant Classification Sherloc (09022015). Collection method: clinical testing. Allele origin: germline.
Comment: This sequence change replaces glutamic acid, which is acidic and polar, with valine, which is neutral and non-polar, at codon 57 of the MYH11 protein (p.Glu57Val). This variant is not present in population databases (gnomAD no frequency). This variant has not been reported in the literature in individuals affected with MYH11-related conditions. Invitae Evidence Modeling of protein sequence and biophysical properties (such as structural, functional, and spatial information, amino acid conservation, physicochemical variation, residue mobility, and thermodynamic stability) indicates that this missense variant is not expected to disrupt MYH11 protein function with a negative predictive value of 95%. In summary, the available evidence is currently insufficient to determine the role of this variant in disease. Therefore, it has been classified as a Variant of Uncertain Significance.